The following is an entry in ClinVar:

ClinVar aggregate classification (germline): Uncertain significance. Review status: criteria provided, multiple submitters, no conflicts (2 of 4 stars). 2 submissions from 2 submitters: Uncertain significance (2). Last evaluated 2025-10-21.

Conditions:
Inborn genetic diseases. Identifiers: MedGen C0950123, MeSH D030342.

Allele frequency attached by ClinVar (database versions not stated): TOPMed 0.00003; ExAC 0.00002; gnomAD 0.00003.
gnomAD v4.1: 10 of 1,613,942 alleles (0.00062%); highest among the groups gnomAD compares: Admixed American, 0.0083%; no homozygotes.

Submissions (2):

Labcorp Genetics (formerly Invitae), Labcorp
Classification: Uncertain significance. Last evaluated: 2025-10-21. Review status: criteria provided, single submitter. Criteria: Invitae Variant Classification Sherloc (09022015). Collection method: clinical testing. Allele origin: germline.
Comment: This sequence change replaces proline, which is neutral and non-polar, with histidine, which is basic and polar, at codon 574 of the PPP1R15B protein (p.Pro574His). The frequency data for this variant in the population databases is considered unreliable, as metrics indicate poor data quality at this position in the gnomAD database. This variant has not been reported in the literature in individuals affected with PPP1R15B-related conditions. ClinVar contains an entry for this variant (Variation ID: 1973526). Invitae Evidence Modeling of protein sequence and biophysical properties (such as structural, functional, and spatial information, amino acid conservation, physicochemical variation, residue mobility, and thermodynamic stability) indicates that this missense variant is expected to disrupt PPP1R15B protein function with a positive predictive value of 80%. In summary, the available evidence is currently insufficient to determine the role of this variant in disease. Therefore, it has been classified as a Variant of Uncertain Significance.

Ambry Genetics
Classification: Uncertain significance for Inborn genetic diseases. Last evaluated: 2024-01-08. Review status: criteria provided, single submitter. Criteria: Ambry Variant Classification Scheme 2023. Collection method: clinical testing. Allele origin: germline.

NM_032833.5(PPP1R15B):c.1721C>A (p.Pro574His)

Gene: PPP1R15B (protein phosphatase 1 regulatory subunit 15B; minus strand). Cytogenetic location: 1q32.1.
Variant type: single nucleotide variant.
Coding change: c.1721C>A on transcript NM_032833.5 (MANE Select); coding-DNA position 1721, C replaced by A.
Protein change: p.Pro574His; replaces proline 574 with histidine.
Molecular consequence: missense variant.
Genome position (GRCh38, 1-based): chr1:204,409,691, G>T on the plus strand (C>A on the coding strand, the complement: PPP1R15B is on the minus strand). VCF-style: chr1-204409691-G-T. GRCh37 (hg19) VCF-style: chr1-204378819-G-T.
Other names: short protein forms P574H.
Identifiers: ClinVar variation 1973526 (VCV001973526.6), dbSNP rs757801388, ClinGen allele CA1346582.
Genomic context (GRCh38, chr1:204,409,691, plus strand): 5'-GACTCAGATGGGGTCTTTGAGTCACGACAGCCTTTCTCATTTTCCCCTGATGTTTGAAAA[G>T]GAGCCTTAAAATTTAAAGGGTTGTAGGGGTCATCAGAATTACAGAATGAGTTCCACAGTT-3'
Protein context (NP_116222.4, residues 564-584): DPYNPLNFKA[Pro574His]FQTSGENEKG